The following is an entry in ClinVar:

ClinVar aggregate classification (germline): Uncertain significance (1 of 4 stars; one submission).

Conditions:
Nephronophthisis 15 (NPHP15). Identifiers: Orphanet 3156, MedGen C3541853, MONDO:0013917, OMIM 614845.

gnomAD v4.1: 1 of 1,511,564 alleles (0.000066%); highest among the groups gnomAD compares: South Asian, 0.0013%; no homozygotes.

Submission:

Labcorp Genetics (formerly Invitae), Labcorp
Classification: Uncertain significance for Nephronophthisis 15. Last evaluated: 2021-03-08. Review status: criteria provided, single submitter. Criteria: Invitae Variant Classification Sherloc (09022015). Collection method: clinical testing. Allele origin: germline.
Comment: In summary, the available evidence is currently insufficient to determine the role of this variant in disease. Therefore, it has been classified as a Variant of Uncertain Significance. Algorithms developed to predict the effect of missense changes on protein structure and function output the following: SIFT: "Tolerated"; PolyPhen-2: "Benign"; Align-GVGD: "Class C0". The phenylalanine amino acid residue is found in multiple mammalian species, suggesting that this missense change does not adversely affect protein function. These predictions have not been confirmed by published functional studies and their clinical significance is uncertain. This variant has not been reported in the literature in individuals with CEP164-related conditions. The frequency data for this variant in the population databases is considered unreliable, as metrics indicate insufficient coverage at this position in the ExAC database. This sequence change replaces serine with phenylalanine at codon 523 of the CEP164 protein (p.Ser523Phe). The serine residue is highly conserved and there is a large physicochemical difference between serine and phenylalanine.

NM_014956.5(CEP164):c.1568C>T (p.Ser523Phe)

Gene: CEP164 (centrosomal protein 164; plus strand). Cytogenetic location: 11q23.3.
Variant type: single nucleotide variant.
Coding change: c.1568C>T on transcript NM_014956.5 (MANE Select); coding-DNA position 1568, C replaced by T.
Protein change: p.Ser523Phe; replaces serine 523 with phenylalanine.
Molecular consequence: missense variant.
Genome position (GRCh38, 1-based): chr11:117,381,859, C>T. VCF-style: chr11-117381859-C-T. GRCh37 (hg19) VCF-style: chr11-117252575-C-T.
Other names: c.1577C>T, p.Ser526Phe (NM_001271933.2); short protein forms S526F, S523F.
Identifiers: ClinVar variation 1407508 (VCV001407508.8), dbSNP rs997835172, ClinGen allele CA382743438.